The following is an entry in ClinVar:

ClinVar aggregate classification (germline): Pathogenic. Review status: reviewed by expert panel (3 of 4 stars). 4 submissions from 4 submitters: Pathogenic (1). 3 of the submissions do not count toward it. Last evaluated 2023-12-30.

Conditions:
Phenylketonuria (PKU). Also called: Phenylketonuria (PKU); FOLLING DISEASE; OLIGOPHRENIA PHENYLPYRUVICA; Phenylketonurias. Identifiers: Orphanet 716, MedGen C0031485, MONDO:0009861, OMIM 261600. Disease mechanism: loss of function.

Submissions (4):

ClinGen PAH Variant Curation Expert Panel
Classification: Pathogenic for Phenylketonuria. Last evaluated: 2023-12-30. Review status: reviewed by expert panel. Criteria: ClinGen PAH ACMG Specifications v1. Collection method: curation. Allele origin: germline. Inheritance: Autosomal recessive inheritance.
Comment: The c.466G>C (p.Ala156Pro) variant in PAH has been reported in multiple individuals with PAH deficiency (BH4 deficiency excluded). (PMID: 26322415). This variant is absent in population databases. This variant was detected in trans with multiple pathogenic variants: p.H220P (PMID 26322415); c.611A>G (aka EX6-96A>G, PMID: 26600521); p.V5Sfs*33, p.R158W, p.R241C (2 patients), p.R261Q, p.R400T, p.T418P (PMID: 30050108). Functional studies show the PAH A156P mutant produces reduced protein (8.7% of wild type), with a residual enzyme activity of 10.4% (PMID 24327145). Computational evidence is conflicting. In summary, this variant meets criteria to be classified as pathogenic for PAH. PAH-specific ACMG/AMP criteria applied: PM3_very-strong, PM2_supporting, PP4_Moderate, PS3_supporting.

Mayo Clinic Laboratories, Mayo Clinic
Classification: Pathogenic. Last evaluated: 2024-06-20. Review status: criteria provided, single submitter. Criteria: ACMG Guidelines, 2015. Collection method: clinical testing. Allele origin: germline. Observed: 1 variant allele. Not counted in ClinVar's aggregate classification.
Comment: PP3, PP4, PM2, PM3_very_strong, PS3_supporting

Juno Genomics, Hangzhou Juno Genomics, Inc
Classification: Pathogenic for Phenylketonuria. Review status: criteria provided, single submitter. Criteria: ACMG Guidelines, 2015. Collection method: clinical testing. Allele origin: germline. Affected: yes. Not counted in ClinVar's aggregate classification.
Comment: Absent from controls (or at extremely low frequency if recessive) in Genome Aggregation Database, Exome Sequencing Project, 1000 Genomes Project, or Exome Aggregation Consortium.;Well-established in vitro or in vivo functional studies supportive of a damaging effect on the gene or gene product.;For recessive disorders, detected in trans with a pathogenic variant.;Patient's phenotype or family history is highly specific for a disease with a single genetic etiology.

DeBelle Laboratory for Biochemical Genetics, MUHC/MCH RESEARCH INSTITUTE
No classification provided. Review status: no classification provided. Collection method: not provided. Allele origin: not provided. Not counted in ClinVar's aggregate classification.

Literature cited by the submitters: PubMed 19915519 (cited by ClinGen PAH Variant Curation Expert Panel and Mayo Clinic Laboratories, Mayo Clinic); PubMed 26322415 (cited by ClinGen PAH Variant Curation Expert Panel and Mayo Clinic Laboratories, Mayo Clinic); PubMed 24327145 (cited by ClinGen PAH Variant Curation Expert Panel and Mayo Clinic Laboratories, Mayo Clinic); PubMed 21154324 (cited by Mayo Clinic Laboratories, Mayo Clinic); PubMed 23932990 (cited by Mayo Clinic Laboratories, Mayo Clinic); PubMed 26600521 (cited by Mayo Clinic Laboratories, Mayo Clinic); PubMed 28754886 (cited by Mayo Clinic Laboratories, Mayo Clinic); PubMed 30050108 (cited by Mayo Clinic Laboratories, Mayo Clinic); PubMed 32893076 (cited by Mayo Clinic Laboratories, Mayo Clinic); PubMed 38105685 (cited by Mayo Clinic Laboratories, Mayo Clinic).

NM_000277.3(PAH):c.466G>C (p.Ala156Pro)

Gene: PAH (phenylalanine hydroxylase; minus strand). Cytogenetic location: 12q23.2.
Variant type: single nucleotide variant.
Coding change: c.466G>C on transcript NM_000277.3 (MANE Select); coding-DNA position 466, G replaced by C.
Protein change: p.Ala156Pro; replaces alanine 156 with proline.
Molecular consequence: missense variant.
Genome position (GRCh38, 1-based): chr12:102,866,639, C>G on the plus strand (G>C on the coding strand, the complement: PAH is on the minus strand). VCF-style: chr12-102866639-C-G. GRCh37 (hg19) VCF-style: chr12-103260417-C-G.
Other names: NM_000277.1(PAH):c.466G>C; p.Ala156Pro; c.466G>C, p.Ala156Pro (NM_001354304.2); short protein forms A156P.
Identifiers: ClinVar variation 102688 (VCV000102688.4), dbSNP rs199475686, ClinGen allele CA229562.